The following is an entry in ClinVar:

NM_017934.7(PHIP):c.1098C>T (p.Asp366=)

Gene: PHIP (PHIP subunit of CUL4-Ring ligase complex; minus strand). Cytogenetic location: 6q14.1.
Variant type: single nucleotide variant.
Coding change: c.1098C>T on transcript NM_017934.7 (MANE Select); coding-DNA position 1098, C replaced by T.
Protein change: p.Asp366=; no amino-acid change (aspartic acid 366 retained).
Molecular consequence: synonymous variant.
Genome position (GRCh38, 1-based): chr6:79,017,384, G>A on the plus strand (C>T on the coding strand, the complement: PHIP is on the minus strand). VCF-style: chr6-79017384-G-A. GRCh37 (hg19) VCF-style: chr6-79727101-G-A.
Identifiers: ClinVar variation 4994510 (VCV004994510.1).

ClinVar aggregate classification (germline): Likely benign (1 of 4 stars; one submission).

Conditions:
PHIP-related disorder. Also called: PHIP-related disorders; PHIP-related condition.

Submission:

PreventionGenetics, part of Exact Sciences
Classification: Likely benign for PHIP-related condition. Last evaluated: 2025-10-03. Review status: criteria provided, single submitter. Criteria: ACMG Guidelines, 2015. Collection method: clinical testing. Allele origin: germline.
Comment: This variant is classified as likely benign based on ACMG/AMP sequence variant interpretation guidelines (Richards et al. 2015 PMID: 25741868, with internal and published modifications).